The following is an entry in ClinVar:

NM_033310.3(KCNK4):c.683C>T (p.Ser228Phe)

Genes: KCNK4 (potassium two pore domain channel subfamily K member 4; plus strand), KCNK4-CATSPERZ (KCNK4-CATSPERZ readthrough (NMD candidate); plus strand). Cytogenetic location: 11q13.1.
Variant type: single nucleotide variant.
Coding change: c.683C>T on transcript NM_033310.3 (MANE Select); coding-DNA position 683, C replaced by T.
Protein change: p.Ser228Phe; replaces serine 228 with phenylalanine.
Molecular consequence: missense variant. On other transcripts: non-coding transcript variant (3).
Genome position (GRCh38, 1-based): chr11:64,298,131, C>T. VCF-style: chr11-64298131-C-T. GRCh37 (hg19) VCF-style: chr11-64065603-C-T.
Other names: c.683C>T, p.Ser228Phe (NM_001317090.2); short protein forms S228F.
Identifiers: ClinVar variation 930708 (VCV000930708.4), dbSNP rs1381890684, ClinGen allele CA381066081.

ClinVar aggregate classification (germline): Uncertain significance. Review status: criteria provided, multiple submitters, no conflicts (2 of 4 stars). 2 submissions from 2 submitters: Uncertain significance (2). Last evaluated 2024-12-24.

Conditions:
Facial dysmorphism, hypertrichosis, epilepsy, intellectual/developmental delay, and gingival overgrowth syndrome. Identifiers: Orphanet 598603, MedGen C5193066, MONDO:0032714, OMIM 618381.

Submissions (2):

Ambry Genetics
Classification: Uncertain significance. Last evaluated: 2024-12-24. Review status: criteria provided, single submitter. Criteria: Ambry Variant Classification Scheme 2023. Collection method: clinical testing. Allele origin: germline.

Centre for Mendelian Genomics, University Medical Centre Ljubljana
Classification: Uncertain significance for Facial dysmorphism, hypertrichosis, epilepsy, intellectual/developmental delay, and gingival overgrowth syndrome. Last evaluated: 2020-03-25. Review status: criteria provided, single submitter. Criteria: ACMG Guidelines, 2015. Collection method: clinical testing. Allele origin: unknown. Affected: yes.
Comment: This variant was classified as: Uncertain significance. The available evidence on this variant's pathogenicity is insufficient or conflicting. The following ACMG criteria were applied in classifying this variant: PM2,BP4.